The following is an entry in ClinVar:

ClinVar aggregate classification (germline): Uncertain significance (1 of 4 stars; one submission).

Conditions:
Inborn genetic diseases. Identifiers: MedGen C0950123, MeSH D030342.

Allele frequency attached by ClinVar (database versions not stated): gnomAD 0.00001; gnomAD exomes 0.00001; ExAC 0.00002.
gnomAD v4.1: 11 of 1,614,032 alleles (0.00068%); highest among the groups gnomAD compares: South Asian, 0.012%; no homozygotes.

Submission:

Ambry Genetics
Classification: Uncertain significance for Inborn genetic diseases. Last evaluated: 2022-10-12. Review status: criteria provided, single submitter. Criteria: Ambry Variant Classification Scheme 2023. Collection method: clinical testing. Allele origin: germline.
Comment: The p.N387H variant (also known as c.1159A>C), located in coding exon 9 of the EPAS1 gene, results from an A to C substitution at nucleotide position 1159. The asparagine at codon 387 is replaced by histidine, an amino acid with similar properties. This amino acid position is conserved. In addition, this alteration is predicted to be tolerated by in silico analysis. Since supporting evidence is limited at this time, the clinical significance of this alteration remains unclear.

NM_001430.5(EPAS1):c.1159A>C (p.Asn387His)

Gene: EPAS1 (endothelial PAS domain protein 1; plus strand). Cytogenetic location: 2p21.
Variant type: single nucleotide variant.
Coding change: c.1159A>C on transcript NM_001430.5 (MANE Select); coding-DNA position 1159, A replaced by C.
Protein change: p.Asn387His; replaces asparagine 387 with histidine.
Molecular consequence: missense variant.
Genome position (GRCh38, 1-based): chr2:46,376,663, A>C. VCF-style: chr2-46376663-A-C. GRCh37 (hg19) VCF-style: chr2-46603802-A-C.
Other names: short protein forms N387H.
Identifiers: ClinVar variation 1736027 (VCV001736027.2), dbSNP rs776299125, ClinGen allele CA1644895.
Genomic context (GRCh38, chr2:46,376,663, plus strand): 5'-CTGATGGCCATGAACAGCATCTTTGATAGCAGTGGCAAGGGGGCTGTGTCTGAGAAGAGT[A>C]ACTTCCTATTCACCAAGCTAAAGGAGGAGCCCGAGGAGCTGGCCCAGCTGGCTCCCACCC-3'
Protein context (NP_001421.2, residues 377-397): SGKGAVSEKS[Asn387His]FLFTKLKEEP